The following is an entry in ClinVar:

ClinVar aggregate classification (germline): Uncertain significance. Review status: criteria provided, multiple submitters, no conflicts (2 of 4 stars). 2 submissions from 2 submitters: Uncertain significance (2). Last evaluated 2023-12-11.

Submissions (2):

Labcorp Genetics (formerly Invitae), Labcorp
Classification: Uncertain significance. Last evaluated: 2023-12-11. Review status: criteria provided, single submitter. Criteria: Invitae Variant Classification Sherloc (09022015). Collection method: clinical testing. Allele origin: germline.
Comment: This sequence change replaces leucine, which is neutral and non-polar, with phenylalanine, which is neutral and non-polar, at codon 42 of the TAF1 protein (p.Leu42Phe). This variant is not present in population databases (gnomAD no frequency). This variant has not been reported in the literature in individuals affected with TAF1-related conditions. ClinVar contains an entry for this variant (Variation ID: 2576639). An algorithm developed to predict the effect of missense changes on protein structure and function (PolyPhen-2) suggests that this variant is likely to be disruptive. In summary, the available evidence is currently insufficient to determine the role of this variant in disease. Therefore, it has been classified as a Variant of Uncertain Significance.

GeneDx
Classification: Uncertain significance. Last evaluated: 2023-02-16. Review status: criteria provided, single submitter. Criteria: GeneDx Variant Classification Process June 2021. Collection method: clinical testing. Allele origin: germline. Affected: yes.
Comment: Not observed at significant frequency in large population cohorts (gnomAD); In silico analysis supports that this missense variant has a deleterious effect on protein structure/function; Has not been previously published as pathogenic or benign to our knowledge

NM_004606.5(TAF1):c.64C>T (p.Leu22Phe)

Genes: TAF1 (TATA-box binding protein associated factor 1; plus strand), LOC130068417 (ATAC-STARR-seq lymphoblastoid active region 29743; plus strand). Cytogenetic location: Xq13.1.
Variant type: single nucleotide variant.
Coding change: c.64C>T on transcript NM_004606.5 (MANE Select); coding-DNA position 64, C replaced by T.
Protein change: p.Leu22Phe; replaces leucine 22 with phenylalanine.
Molecular consequence: missense variant. On other transcripts: non-coding transcript variant (9).
Genome position (GRCh38, 1-based): chrX:71,366,438, C>T. VCF-style: chrX-71366438-C-T. GRCh37 (hg19) VCF-style: chrX-70586288-C-T.
Other names: c.64C>T, p.Leu22Phe (NM_001286074.2, NM_138923.4); short protein forms L22F.
Identifiers: ClinVar variation 2576639 (VCV002576639.4), dbSNP rs2519962625, ClinGen allele CA413502822.
Genomic context (GRCh38, chrX:71,366,438, plus strand): 5'-TCAGACACGGACAGCGACGAAGATTCCGCTGGAGGCGGCCCATTTTCTTTAGCGGGTTTC[C>T]TTTTCGGCAACATCAATGGAGCCGGGCAGCTGGAGGGGGAAAGCGTCTTGGATGATGTGA-3'
Protein context (NP_004597.3, residues 12-32): GGGPFSLAGF[Leu22Phe]FGNINGAGQL